The following is an entry in ClinVar:

NM_001256007.3(PNPLA8):c.870dup (p.Leu291fs)

Gene: PNPLA8 (patatin like domain 8, phospholipase A2; minus strand). Cytogenetic location: 7q31.1.
Variant type: Duplication.
Coding change: c.870dup on transcript NM_001256007.3 (MANE Select); coding-DNA position 870, one base duplicated (T; older notation c.870dupT).
Protein change: p.Leu291fs; shifts the reading frame from leucine 291.
Molecular consequence: frameshift variant.
Genome position (GRCh38, 1-based): chr7:108,514,622, A duplicated on the plus strand (T on the coding strand, the reverse complement: PNPLA8 is on the minus strand); the first of 3 consecutive A bases (chr7:108,514,622-108,514,624); duplicating any one gives the same sequence. VCF-style (leftmost placement, unchanged base first): chr7-108514621-G-GA. GRCh37 (hg19) VCF-style: chr7-108155065-G-GA.
Other names: c.870dup, p.Leu291fs (NM_001256008.3, NM_001256009.3, NM_015723.5); c.570dup, p.Leu191fs (NM_001256010.3, NM_001256011.3); short protein forms L191fs, L291fs.
Identifiers: ClinVar variation 2581318 (VCV002581318.4), dbSNP rs753758872, ClinGen allele CA4439737.

ClinVar aggregate classification (germline): Pathogenic. Review status: criteria provided, multiple submitters, no conflicts (2 of 4 stars). 2 submissions from 2 submitters: Pathogenic (2). Last evaluated 2025-08-04.

Conditions:
Mitochondrial myopathy-lactic acidosis-deafness syndrome. Identifiers: Orphanet 2597, MedGen C1855033, MONDO:0016825, OMIM 251950.

Submissions (2):

Labcorp Genetics (formerly Invitae), Labcorp
Classification: Pathogenic. Last evaluated: 2025-08-04. Review status: criteria provided, single submitter. Criteria: Invitae Variant Classification Sherloc (09022015). Collection method: clinical testing. Allele origin: germline.
Comment: This sequence change creates a premature translational stop signal (p.Leu291Serfs*26) in the PNPLA8 gene. It is expected to result in an absent or disrupted protein product. Loss-of-function variants in PNPLA8 are known to be pathogenic (PMID: 29681094). This variant is present in population databases (rs753758872, gnomAD 0.003%). This variant has not been reported in the literature in individuals affected with PNPLA8-related conditions. ClinVar contains an entry for this variant (Variation ID: 2581318). Algorithms developed to predict the effect of sequence changes on RNA splicing suggest that this variant may create or strengthen a splice site. For these reasons, this variant has been classified as Pathogenic.

Women's Health and Genetics/Laboratory Corporation of America, LabCorp
Classification: Pathogenic for Mitochondrial myopathy-lactic acidosis-deafness syndrome. Last evaluated: 2023-08-23. Review status: criteria provided, single submitter. Criteria: LabCorp Variant Classification Summary - May 2015. Collection method: clinical testing. Allele origin: germline.
Comment: Variant summary: PNPLA8 c.870dupT (p.Leu291SerfsX26) results in a premature termination codon, predicted to cause a truncation of the encoded protein or absence of the protein due to nonsense mediated decay, which are commonly known mechanisms for disease. The variant allele was found at a frequency of 1.2e-05 in 251340 control chromosomes (i.e., 3 heterozygotes; gnomAD v2.1 Exomes dataset). To our knowledge, no occurrence of c.870dupT in individuals affected with Mitochondrial Myopathy-Lactic Acidosis-Deafness Syndrome and no experimental evidence demonstrating its impact on protein function have been reported. No submitters have reported clinical-significance assessments for this variant to ClinVar after 2014. Based on the evidence outlined above, the variant was classified as pathogenic.

Literature cited by the submitters: PubMed 29681094 (cited by Labcorp Genetics (formerly Invitae), Labcorp).